The following is an entry in ClinVar:

ClinVar aggregate classification (germline): Uncertain significance (1 of 4 stars; one submission).

Submission:

GeneDx
Classification: Uncertain significance. Last evaluated: 2025-08-29. Review status: criteria provided, single submitter. Criteria: GeneDx Variant Classification Process June 2021. Collection method: clinical testing. Allele origin: germline. Affected: yes.
Comment: Not observed at significant frequency in large population cohorts (gnomAD); Has not been previously published as pathogenic or benign to our knowledge; Duplication of 23 nucleotides encompassing the translation initiation site with an unclear effect on protein function. In the absence of RNA/functional studies, the actual effect of this sequence change is unknown

NM_020312.4(COQ9):c.-14_9dup (p.Ala4fs)

Genes: COQ9 (coenzyme Q9; plus strand), LOC112469007 (Sharpr-MPRA regulatory region 5957; plus strand). Cytogenetic location: 16q21.
Variant type: Duplication.
Coding change: c.-14_9dup on transcript NM_020312.4 (MANE Select); 14 bases upstream of the start codon through coding-DNA position 9, 23 bases duplicated (TGCCCGCTTCCAAAATGGCGGCG).
Protein change: p.Ala4fs; shifts the reading frame from alanine 4.
Molecular consequence: frameshift variant, initiator codon variant.
Genome position (GRCh38, 1-based): chr16:57,447,492-57,447,514, TGCCCGCTTCCAAAATGGCGGCG duplicated; duplicating any 23 consecutive bases within chr16:57,447,490-57,447,514 gives the same sequence; the c. name uses the placement nearest the transcript's 3' end. VCF-style (leftmost placement, unchanged base first): chr16-57447489-A-ACGTGCCCGCTTCCAAAATGGCGG. GRCh37 (hg19) VCF-style: chr16-57481401-A-ACGTGCCCGCTTCCAAAATGGCGG.
Other names: short protein forms A4fs.
Identifiers: ClinVar variation 4812923 (VCV004812923.1).